The following is an entry in ClinVar:

ClinVar aggregate classification (germline): Uncertain significance (1 of 4 stars; one submission).

Conditions:
Pulmonary hypertension, primary, 4. Identifiers: Orphanet 422, MedGen C3809198, MONDO:0014136, OMIM 615344.

Allele frequency attached by ClinVar (database versions not stated): gnomAD exomes below 0.00001; TOPMed below 0.00001.
gnomAD v4.1: 6 of 1,574,262 alleles (0.00038%); highest among the groups gnomAD compares: Non-Finnish European, 0.00052%; no homozygotes.

Submission:

Labcorp Genetics (formerly Invitae), Labcorp
Classification: Uncertain significance for Pulmonary hypertension, primary, 4. Last evaluated: 2022-02-04. Review status: criteria provided, single submitter. Criteria: Invitae Variant Classification Sherloc (09022015). Collection method: clinical testing. Allele origin: germline.
Comment: This variant has not been reported in the literature in individuals affected with KCNK3-related conditions. ClinVar contains an entry for this variant (Variation ID: 653289). Algorithms developed to predict the effect of missense changes on protein structure and function (SIFT, PolyPhen-2, Align-GVGD) all suggest that this variant is likely to be tolerated. In summary, the available evidence is currently insufficient to determine the role of this variant in disease. Therefore, it has been classified as a Variant of Uncertain Significance. This variant is not present in population databases (gnomAD no frequency). This sequence change replaces alanine, which is neutral and non-polar, with valine, which is neutral and non-polar, at codon 262 of the KCNK3 protein (p.Ala262Val).

NM_002246.3(KCNK3):c.785C>T (p.Ala262Val)

Gene: KCNK3 (potassium two pore domain channel subfamily K member 3; plus strand). Cytogenetic location: 2p23.3.
Variant type: single nucleotide variant.
Coding change: c.785C>T on transcript NM_002246.3 (MANE Select); coding-DNA position 785, C replaced by T.
Protein change: p.Ala262Val; replaces alanine 262 with valine.
Molecular consequence: missense variant.
Genome position (GRCh38, 1-based): chr2:26,728,168, C>T. VCF-style: chr2-26728168-C-T. GRCh37 (hg19) VCF-style: chr2-26951036-C-T.
Other names: short protein forms A262V.
Identifiers: ClinVar variation 653289 (VCV000653289.8), dbSNP rs1341257541, ClinGen allele CA346262777.